The following is an entry in ClinVar:

NM_001193375.3(NDUFA11):c.510G>A (p.Arg170=)

Gene: NDUFA11 (NADH:ubiquinone oxidoreductase subunit A11; minus strand). Cytogenetic location: 19p13.3.
Variant type: single nucleotide variant.
Coding change: c.510G>A on transcript NM_001193375.3; coding-DNA position 510, G replaced by A.
Protein change: p.Arg170=; no amino-acid change (arginine 170 retained).
Molecular consequence: synonymous variant.
Genome position (GRCh38, 1-based): chr19:5,893,094, C>T on the plus strand (G>A on the coding strand, the complement: NDUFA11 is on the minus strand). VCF-style: chr19-5893094-C-T. GRCh37 (hg19) VCF-style: chr19-5893105-C-T.
Identifiers: ClinVar variation 3067599 (VCV003067599.20), dbSNP rs1387979747, ClinGen allele CA505185481.

ClinVar aggregate classification (germline): Likely benign (1 of 4 stars; one submission).

Allele frequency attached by ClinVar (database versions not stated): gnomAD exomes below 0.00001.
gnomAD v4.1: 1 of 1,536,118 alleles (0.000065%); highest among the groups gnomAD compares: South Asian, 0.0012%; no homozygotes.

Submission:

CeGaT Center for Human Genetics Tuebingen
Classification: Likely benign. Last evaluated: 2024-03-01. Review status: criteria provided, single submitter. Criteria: CeGaT Center For Human Genetics Tuebingen Variant Classification Criteria Version 2. Collection method: clinical testing. Allele origin: germline. Affected: yes. Observed: 1 variant allele.
Comment: NDUFA11: BP4, BP7